The following is an entry in ClinVar:

NM_001605.3(AARS1):c.2048G>A (p.Arg683Gln)

Gene: AARS1 (alanyl-tRNA synthetase 1; minus strand). Cytogenetic location: 16q22.1.
Variant type: single nucleotide variant.
Coding change: c.2048G>A on transcript NM_001605.3 (MANE Select); coding-DNA position 2048, G replaced by A.
Protein change: p.Arg683Gln; replaces arginine 683 with glutamine.
Molecular consequence: missense variant.
Genome position (GRCh38, 1-based): chr16:70,258,162, C>T on the plus strand (G>A on the coding strand, the complement: AARS1 is on the minus strand). VCF-style: chr16-70258162-C-T. GRCh37 (hg19) VCF-style: chr16-70292065-C-T.
Other names: p.Arg683Gln; short protein forms R683Q.
Identifiers: ClinVar variation 942167 (VCV000942167.42), dbSNP rs371048516, ClinGen allele CA8140576.

ClinVar aggregate classification (germline): Uncertain significance. Review status: criteria provided, multiple submitters, no conflicts (2 of 4 stars). 5 submissions from 5 submitters: Uncertain significance (5). Last evaluated 2025-12-22.

Conditions:
Inborn genetic diseases. Identifiers: MedGen C0950123, MeSH D030342.
Charcot-Marie-Tooth disease type 2. Also called: Charcot-Marie-Tooth type 2. Identifiers: Orphanet 64746, MedGen C0270914, MONDO:0018993.

Allele frequency attached by ClinVar (database versions not stated): ExAC 0.00001; gnomAD 0.00001 and 0.00002; gnomAD exomes 0.00002; TOPMed 0.00003; ESP Exome Variant Server 0.00008.
gnomAD v4.1: 77 of 1,609,708 alleles (0.0048%); highest among the groups gnomAD compares: Non-Finnish European, 0.0061%; no homozygotes.

Submissions (5):

Labcorp Genetics (formerly Invitae), Labcorp
Classification: Uncertain significance for Charcot-Marie-Tooth disease type 2. Last evaluated: 2025-12-22. Review status: criteria provided, single submitter. Criteria: Invitae Variant Classification Sherloc (09022015). Collection method: clinical testing. Allele origin: germline.
Comment: This sequence change replaces arginine, which is basic and polar, with glutamine, which is neutral and polar, at codon 683 of the AARS protein (p.Arg683Gln). This variant is present in population databases (rs371048516, gnomAD 0.005%). This variant has not been reported in the literature in individuals affected with AARS-related conditions. ClinVar contains an entry for this variant (Variation ID: 942167). Invitae Evidence Modeling of protein sequence and biophysical properties (such as structural, functional, and spatial information, amino acid conservation, physicochemical variation, residue mobility, and thermodynamic stability) has been performed for this missense variant. However, the output from this modeling did not meet the statistical confidence thresholds required to predict the impact of this variant on AARS protein function. In summary, the available evidence is currently insufficient to determine the role of this variant in disease. Therefore, it has been classified as a Variant of Uncertain Significance.

Mayo Clinic Laboratories, Mayo Clinic
Classification: Uncertain significance. Last evaluated: 2024-12-23. Review status: criteria provided, single submitter. Criteria: ACMG Guidelines, 2015. Collection method: clinical testing. Allele origin: germline. Observed: 1 variant allele.

Ambry Genetics
Classification: Uncertain significance for Inborn genetic diseases. Last evaluated: 2024-05-30. Review status: criteria provided, single submitter. Criteria: Ambry Variant Classification Scheme 2023. Collection method: clinical testing. Allele origin: germline.

CeGaT Center for Human Genetics Tuebingen
Classification: Uncertain significance. Last evaluated: 2024-04-01. Review status: criteria provided, single submitter. Criteria: CeGaT Center For Human Genetics Tuebingen Variant Classification Criteria Version 2. Collection method: clinical testing. Allele origin: germline. Affected: yes. Observed: 2 variant alleles.

GeneDx
Classification: Uncertain significance. Last evaluated: 2022-08-18. Review status: criteria provided, single submitter. Criteria: GeneDx Variant Classification Process June 2021. Collection method: clinical testing. Allele origin: germline. Affected: yes.
Comment: In silico analysis supports that this missense variant has a deleterious effect on protein structure/function; Has not been previously published as pathogenic or benign to our knowledge; This variant is associated with the following publications: (PMID: 25817015)